The following is an entry in ClinVar:

ClinVar aggregate classification (germline): Likely pathogenic (1 of 4 stars; one submission).

Conditions:
Hereditary factor XI deficiency disease. Also called: PLASMA THROMBOPLASTIN ANTECEDENT DEFICIENCY; PTA DEFICIENCY; ROSENTHAL SYNDROME; Congenital factor XI deficiency. Identifiers: Orphanet 329, MedGen C0015523, MeSH D005173, MONDO:0012897, OMIM 612416.

Submission:

Myriad Genetics, Inc.
Classification: Likely pathogenic for Hereditary factor XI deficiency disease. Last evaluated: 2026-01-16. Review status: criteria provided, single submitter. Criteria: Myriad Autosomal Dominant, Autosomal Recessive and X-Linked Classification Criteria (2023). Collection method: clinical testing. Allele origin: unknown.
Comment: NM_000128.3(F11):c.1710_1713dupTTGC(K572Lfs*15) is a frameshift variant classified as likely pathogenic in the context of factor XI deficiency. K572Lfs*15 has not been observed in cases with relevant disease. Relevant functional assessments of this variant are not available in the literature. Internal structural analysis of the variant is supportive of pathogenicity. K572Lfs*15 has not been observed in referenced population frequency databases. In summary, NM_000128.3(F11):c.1710_1713dupTTGC(K572Lfs*15) is a frameshift variant in a gene where loss of function is a known mechanism of disease and is predicted to disrupt protein function. Please note: this variant was assessed in the context of healthy population screening.

NM_000128.4(F11):c.1710_1713dup (p.Lys572fs)

Genes: F11 (coagulation factor XI; plus strand), F11-AS1 (F11 antisense RNA 1; minus strand). Cytogenetic location: 4q35.2.
Variant type: Duplication.
Coding change: c.1710_1713dup on transcript NM_000128.4 (MANE Select); coding-DNA positions 1710 to 1713, 4 bases duplicated (TTGC; older notation c.1710_1713dupTTGC).
Protein change: p.Lys572fs; shifts the reading frame from lysine 572.
Molecular consequence: frameshift variant.
Genome position (GRCh38, 1-based): chr4:186,287,817-186,287,820, TTGC duplicated; duplicating any 4 consecutive bases within chr4:186,287,815-186,287,820 gives the same sequence; the c. name uses the placement nearest the transcript's 3' end. VCF-style (leftmost placement, unchanged base first): chr4-186287814-C-CGCTT. GRCh37 (hg19) VCF-style: chr4-187208968-C-CGCTT.
Other names: c.1662_1665dup, p.Lys556fs (NM_001440590.1); c.1614_1617dup, p.Lys540fs (NM_001440593.1); c.1566_1569dup, p.Lys524fs (NM_001440596.1); c.1440_1443dup, p.Lys482fs (NM_001440605.1); c.1392_1395dup, p.Lys466fs (NM_001440606.1); c.1344_1347dup, p.Lys450fs (NM_001440607.1); c.1296_1299dup, p.Lys434fs (NM_001440608.1); short protein forms K540fs, K556fs, K450fs, K482fs, K572fs, K434fs, K466fs, K524fs.
Identifiers: ClinVar variation 5004372 (VCV005004372.1).